The following is an entry in ClinVar:

ClinVar aggregate classification (germline): Likely benign (1 of 4 stars; one submission).

Conditions:
Leigh syndrome (NULS). Also called: Leigh's necrotizing encephalopathy; Leigh's disease; Leigh Syndrome (mtDNA deletion); Leigh Disease; Subacute necrotizing encephalopathy; Necrotizing encephalopathy infantile subacute of Leigh. Identifiers: Orphanet 506, MedGen C2931891, MONDO:0009723, OMIM 256000.

Submission:

Wong Mito Lab, Molecular and Human Genetics, Baylor College of Medicine
Classification: Likely benign for Leigh syndrome. Last evaluated: 2019-10-17. Review status: criteria provided, single submitter. Criteria: Modified ACMG Guidelines (Unpublished). Collection method: clinical testing. Allele origin: germline.
Comment: The NC_012920.1:m.8624C>T (YP_003024031.1:p.Thr33Ile) variant in MTATP6 gene is interpretated to be a Likely Benign variant based on the modified ACMG guidelines (unpublished). This variant meets the following evidence codes: BS4, BP4

NC_012920.1(MT-ATP6):m.8624C>T

Gene: MT-ATP6 (mitochondrially encoded ATP synthase 6; plus strand).
Variant type: single nucleotide variant.
Genome position: chrM-8624-C-T.
Identifiers: ClinVar variation 692931 (VCV000692931.1), dbSNP rs1603221647, ClinGen allele CA414797011.